The following is an entry in ClinVar:

NM_001167.4(XIAP):c.1048G>A (p.Glu350Lys)

Gene: XIAP (X-linked inhibitor of apoptosis; plus strand). Cytogenetic location: Xq25.
Variant type: single nucleotide variant.
Coding change: c.1048G>A on transcript NM_001167.4 (MANE Select); coding-DNA position 1048, G replaced by A.
Protein change: p.Glu350Lys; replaces glutamic acid 350 with lysine.
Molecular consequence: missense variant. On other transcripts: non-coding transcript variant (2).
Genome position (GRCh38, 1-based): chrX:123,891,308, G>A. VCF-style: chrX-123891308-G-A. GRCh37 (hg19) VCF-style: chrX-123025158-G-A.
Other names: c.1048G>A, p.Glu350Lys (NM_001204401.2, NM_001378590.1, NM_001378591.1 and 1 more transcripts); short protein forms E350K.
Identifiers: ClinVar variation 850105 (VCV000850105.6), dbSNP rs773573633, ClinGen allele CA10508100.

ClinVar aggregate classification (germline): Uncertain significance (1 of 4 stars; one submission).

Conditions:
X-linked lymphoproliferative disease due to XIAP deficiency. Also called: XIAP-Related Lymphoproliferative Disease, X-Linked; XIAP DEFICIENCY. Identifiers: Orphanet 2442, Orphanet 538934, MedGen C1845076, MONDO:0010385, OMIM 300635.

Allele frequency attached by ClinVar (database versions not stated): TOPMed below 0.00001.
gnomAD v4.1: 1 of 1,047,553 alleles (0.000095%); highest among the groups gnomAD compares: Non-Finnish European, 0.00013%; no homozygotes.

Submission:

Labcorp Genetics (formerly Invitae), Labcorp
Classification: Uncertain significance for X-linked lymphoproliferative disease due to XIAP deficiency. Last evaluated: 2025-10-21. Review status: criteria provided, single submitter. Criteria: Invitae Variant Classification Sherloc (09022015). Collection method: clinical testing. Allele origin: germline.
Comment: This sequence change replaces glutamic acid, which is acidic and polar, with lysine, which is basic and polar, at codon 350 of the XIAP protein (p.Glu350Lys). This variant is not present in population databases (gnomAD no frequency). This variant has not been reported in the literature in individuals affected with XIAP-related conditions. ClinVar contains an entry for this variant (Variation ID: 850105). Invitae Evidence Modeling of protein sequence and biophysical properties (such as structural, functional, and spatial information, amino acid conservation, physicochemical variation, residue mobility, and thermodynamic stability) indicates that this missense variant is not expected to disrupt XIAP protein function with a negative predictive value of 80%. In summary, the available evidence is currently insufficient to determine the role of this variant in disease. Therefore, it has been classified as a Variant of Uncertain Significance.